The following is an entry in ClinVar:

ClinVar aggregate classification (germline): Pathogenic (1 of 4 stars; one submission).

Submission:

Labcorp Genetics (formerly Invitae), Labcorp
Classification: Pathogenic. Last evaluated: 2025-03-07. Review status: criteria provided, single submitter. Criteria: Invitae Variant Classification Sherloc (09022015). Collection method: clinical testing. Allele origin: germline.
Comment: This sequence change creates a premature translational stop signal (p.Ser117*) in the CANT1 gene. It is expected to result in an absent or disrupted protein product. Loss-of-function variants in CANT1 are known to be pathogenic (PMID: 19853239, 21037275, 22539336). This variant is not present in population databases (gnomAD no frequency). This variant has not been reported in the literature in individuals affected with CANT1-related conditions. For these reasons, this variant has been classified as Pathogenic.

Literature cited by the submitters: PubMed 19853239; PubMed 21037275; PubMed 22539336.

NM_001159773.2(CANT1):c.350C>G (p.Ser117Ter)

Gene: CANT1 (calcium activated nucleotidase 1; minus strand). Cytogenetic location: 17q25.3.
Variant type: single nucleotide variant.
Coding change: c.350C>G on transcript NM_001159773.2 (MANE Select); coding-DNA position 350, C replaced by G.
Protein change: p.Ser117Ter; replaces serine 117 with a stop codon.
Molecular consequence: nonsense.
Genome position (GRCh38, 1-based): chr17:78,997,273, G>C on the plus strand (C>G on the coding strand, the complement: CANT1 is on the minus strand). VCF-style: chr17-78997273-G-C. GRCh37 (hg19) VCF-style: chr17-76993355-G-C.
Other names: c.350C>G, p.Ser117Ter (NM_001159772.2, NM_138793.4); short protein forms S117*.
Identifiers: ClinVar variation 4811816 (VCV004811816.1).